The following is an entry in ClinVar:

ClinVar aggregate classification (germline): Likely benign (0 of 4 stars; one submission).

Conditions:
PCNT-related disorder. Also called: PCNT-related condition.

Submission:

PreventionGenetics, part of Exact Sciences
Classification: Likely benign for PCNT-related condition. Last evaluated: 2024-02-02. Review status: no assertion criteria provided. Collection method: clinical testing. Allele origin: germline.
Comment: This variant is classified as likely benign based on ACMG/AMP sequence variant interpretation guidelines (Richards et al. 2015 PMID: 25741868, with internal and published modifications).

NM_006031.6(PCNT):c.2271G>A (p.Glu757=)

Gene: PCNT (pericentrin; plus strand). Cytogenetic location: 21q22.3.
Variant type: single nucleotide variant.
Coding change: c.2271G>A on transcript NM_006031.6 (MANE Select); coding-DNA position 2271, G replaced by A.
Protein change: p.Glu757=; no amino-acid change (glutamic acid 757 retained).
Molecular consequence: synonymous variant.
Genome position (GRCh38, 1-based): chr21:46,363,596, G>A. VCF-style: chr21-46363596-G-A. GRCh37 (hg19) VCF-style: chr21-47783511-G-A.
Other names: c.1917G>A, p.Glu639= (NM_001315529.2).
Identifiers: ClinVar variation 3348413 (VCV003348413.1).